The following is an entry in ClinVar:

NM_000535.7(PMS2):c.412G>C (p.Asp138His)

Gene: PMS2 (PMS1 homolog 2, mismatch repair system component; minus strand). Cytogenetic location: 7p22.1.
Variant type: single nucleotide variant.
Coding change: c.412G>C on transcript NM_000535.7 (MANE Select); coding-DNA position 412, G replaced by C.
Protein change: p.Asp138His; replaces aspartic acid 138 with histidine.
Molecular consequence: missense variant. On other transcripts: 5 prime UTR variant (2), non-coding transcript variant (1).
Genome position (GRCh38, 1-based): chr7:6,002,578, C>G on the plus strand (G>C on the coding strand, the complement: PMS2 is on the minus strand). VCF-style: chr7-6002578-C-G. GRCh37 (hg19) VCF-style: chr7-6042209-C-G.
Other names: c.7G>C, p.Asp3His (NM_001322003.2, NM_001322004.2, NM_001322005.2 and 3 more transcripts); c.412G>C, p.Asp138His (NM_001322006.2, NM_001322014.2); c.94G>C, p.Asp32His (NM_001322007.2, NM_001322008.2); c.-473G>C (NM_001322011.2, NM_001322012.2); c.103G>C, p.Asp35His (NM_001322015.2); short protein forms D138H, D32H, D3H, D35H.
Identifiers: ClinVar variation 216457 (VCV000216457.25), dbSNP rs863224678, ClinGen allele CA336630.
Genomic context (GRCh38, chr7:6,002,578, plus strand): 5'-TGACTGTGGTCCCTCTGGGGCGGGGGTAGGGGGTTTTCTGGATAATTTTCCCATTGTGAT[C>G]AAACATCAGTCGAGTTCCAACCTTCGCCGATGCGTGGCAGGTAGAAATGGTGACATCGCT-3'
Protein context (NP_000526.2, residues 128-148): SAKVGTRLMF[Asp138His]HNGKIIQKTP

ClinVar aggregate classification (germline): Conflicting classifications of pathogenicity. Review status: criteria provided, conflicting classifications (1 of 4 stars). 9 submissions from 9 submitters: Uncertain significance (7); Benign (1). 1 of the submissions does not count toward it. Last evaluated 2026-01-26.

Conditions:
Hereditary nonpolyposis colorectal neoplasms. Identifiers: MedGen C0009405, MeSH D003123.
Hereditary cancer-predisposing syndrome. Also called: Hereditary Cancer Syndrome; Hereditary neoplastic syndrome; Neoplastic Syndromes, Hereditary; Tumor predisposition. Identifiers: Orphanet 140162, MedGen C0027672, MeSH D009386, MONDO:0015356.
Lynch syndrome 4 (LYNCH4). Also called: Hereditary non-polyposis colorectal cancer, type 4; Colorectal cancer, hereditary nonpolyposis, type 4. Identifiers: Orphanet 144, MedGen C1838333, MONDO:0013699, OMIM 614337. Disease mechanism: loss of function.

Allele frequency attached by ClinVar (database versions not stated): TOPMed 0.00001; gnomAD 0.00002.
gnomAD v4.1: 3 of 1,611,786 alleles (0.00019%); highest among the groups gnomAD compares: African/African-American, 0.004%; no homozygotes.

Submissions (9):

Labcorp Genetics (formerly Invitae), Labcorp
Classification: Benign for Hereditary nonpolyposis colorectal neoplasms. Last evaluated: 2026-01-26. Review status: criteria provided, single submitter. Criteria: Invitae Variant Classification Sherloc (09022015). Collection method: clinical testing. Allele origin: germline.

Ambry Genetics
Classification: Uncertain significance for Hereditary cancer-predisposing syndrome. Last evaluated: 2024-08-02. Review status: criteria provided, single submitter. Criteria: Ambry Variant Classification Scheme 2023. Collection method: clinical testing. Allele origin: germline.
Comment: The p.D138H variant (also known as c.412G>C), located in coding exon 5 of the PMS2 gene, results from a G to C substitution at nucleotide position 412. The aspartic acid at codon 138 is replaced by histidine, an amino acid with similar properties. This amino acid position is highly conserved in available vertebrate species. In addition, this alteration is predicted to be deleterious by in silico analysis. Since supporting evidence is limited at this time, the clinical significance of this alteration remains unclear.

Women's Health and Genetics/Laboratory Corporation of America, LabCorp
Classification: Uncertain significance. Last evaluated: 2024-08-02. Review status: criteria provided, single submitter. Criteria: LabCorp Variant Classification Summary - May 2015. Collection method: clinical testing. Allele origin: germline.

Color Diagnostics, LLC DBA Color Health
Classification: Uncertain significance for Hereditary cancer-predisposing syndrome. Last evaluated: 2024-03-06. Review status: criteria provided, single submitter. Criteria: ACMG Guidelines, 2015. Collection method: clinical testing. Allele origin: germline.
Comment: This missense variant replaces aspartic acid with histidine at codon 138 of the PMS2 protein. Computational prediction suggests that this variant may have deleterious impact on protein structure and function (internally defined REVEL score threshold >= 0.7, PMID: 27666373). To our knowledge, functional studies have not been reported for this variant. This variant has not been reported in individuals affected with hereditary cancer in the literature. This variant has been identified in 2/31392 chromosomes in the general population by the Genome Aggregation Database (gnomAD). The available evidence is insufficient to determine the role of this variant in disease conclusively. Therefore, this variant is classified as a Variant of Uncertain Significance.

Baylor Genetics
Classification: Uncertain significance for Lynch syndrome 4. Last evaluated: 2023-10-29. Review status: criteria provided, single submitter. Criteria: ACMG Guidelines, 2015. Collection method: clinical testing. Allele origin: unknown.

Myriad Genetics, Inc.
Classification: Uncertain significance for Lynch syndrome 4. Last evaluated: 2023-04-04. Review status: criteria provided, single submitter. Criteria: Myriad Autosomal Dominant, Autosomal Recessive and X-Linked Classification Criteria (2023). Collection method: clinical testing. Allele origin: unknown.
Comment: This variant is classified as a variant of uncertain significance as there is insufficient evidence to determine its impact on protein function and/or cancer risk.

GeneDx
Classification: Uncertain significance. Last evaluated: 2022-12-30. Review status: criteria provided, single submitter. Criteria: GeneDx Variant Classification Process June 2021. Collection method: clinical testing. Allele origin: germline. Affected: yes.
Comment: In silico analysis supports that this missense variant has a deleterious effect on protein structure/function; Has not been previously published as pathogenic or benign to our knowledge; This variant is associated with the following publications: (PMID: 11574484)

Quest Diagnostics Nichols Institute San Juan Capistrano
Classification: Uncertain significance. Last evaluated: 2018-01-05. Review status: criteria provided, single submitter. Criteria: Quest Diagnostics criteria. Collection method: clinical testing. Allele origin: germline.

Counsyl
Classification: Uncertain significance for Lynch syndrome 4. Last evaluated: 2016-12-14. Review status: no assertion criteria provided. Collection method: clinical testing. Allele origin: unknown. Not counted in ClinVar's aggregate classification.